The following is an entry in ClinVar:

ClinVar aggregate classification (germline): Uncertain significance. Review status: criteria provided, single submitter (1 of 4 stars). 2 submissions from 2 submitters: Uncertain significance (1). 1 of the submissions does not count toward it. Last evaluated 2023-08-14.

Conditions:
Inborn genetic diseases. Identifiers: MedGen C0950123, MeSH D030342.
BCKDHB-related disorder. Also called: BCKDHB-related condition.

Allele frequency attached by ClinVar (database versions not stated): ESP Exome Variant Server 0.00038.
gnomAD v4.1: 21 of 1,611,022 alleles (0.0013%); highest among the groups gnomAD compares: African/African-American, 0.028%; no homozygotes.

Submissions (2):

Ambry Genetics
Classification: Uncertain significance for Inborn genetic diseases. Last evaluated: 2023-08-14. Review status: criteria provided, single submitter. Criteria: Ambry Variant Classification Scheme 2023. Collection method: clinical testing. Allele origin: germline.

PreventionGenetics, part of Exact Sciences
Classification: Uncertain significance for BCKDHB-related condition. Last evaluated: 2024-01-19. Review status: no assertion criteria provided. Collection method: clinical testing. Allele origin: germline. Not counted in ClinVar's aggregate classification.
Comment: The BCKDHB c.325G>C variant is predicted to result in the amino acid substitution p.Gly109Arg. To our knowledge, this variant has not been reported in the literature. This variant is reported in 0.064% of alleles in individuals of African descent in gnomAD. Although we suspect that this variant may be benign, at this time, the clinical significance of this variant is uncertain due to the absence of conclusive functional and genetic evidence.

NM_183050.4(BCKDHB):c.325G>C (p.Gly109Arg)

Gene: BCKDHB (branched chain keto acid dehydrogenase E1 subunit beta; plus strand). Cytogenetic location: 6q14.1.
Variant type: single nucleotide variant.
Coding change: c.325G>C on transcript NM_183050.4 (MANE Select); coding-DNA position 325, G replaced by C.
Protein change: p.Gly109Arg; replaces glycine 109 with arginine.
Molecular consequence: missense variant. On other transcripts: non-coding transcript variant (6).
Genome position (GRCh38, 1-based): chr6:80,129,211, G>C. VCF-style: chr6-80129211-G-C. GRCh37 (hg19) VCF-style: chr6-80838928-G-C.
Other names: c.325G>C, p.Gly109Arg (NM_000056.5, NM_001424035.1, NM_001424036.1 and 8 more transcripts); c.115G>C, p.Gly39Arg (NM_001318975.1, NM_001424043.1); c.325G>C (NM_183050.3); short protein forms G109R, G39R.
Identifiers: ClinVar variation 2618380 (VCV002618380.4), dbSNP rs138369202, ClinGen allele CA3902573.
Genomic context (GRCh38, chr6:80,129,211, plus strand): 5'-TGTTTTTCAGTAATATTTGGTGAAGATGTTGCCTTTGGTGGAGTCTTTAGATGCACTGTT[G>C]GCTTGCGAGACAAATATGGTAAGTAAATACCTATATGAATAGTATTCTGATAGAACTTTT-3'
Protein context (NP_898871.1, residues 99-119): AFGGVFRCTV[Gly109Arg]LRDKYGKDRV